The following is an entry in ClinVar:

NM_001110354.2(ZP3):c.831+1G>C

Gene: ZP3 (zona pellucida glycoprotein 3; plus strand). Cytogenetic location: 7q11.23.
Variant type: single nucleotide variant.
Coding change: c.831+1G>C on transcript NM_001110354.2 (MANE Select); the canonical splice donor site of the intron after coding-DNA position 831, G replaced by C.
Molecular consequence: splice donor variant.
Genome position (GRCh38, 1-based): chr7:76,434,156, G>C. VCF-style: chr7-76434156-G-C. GRCh37 (hg19) VCF-style: chr7-76063473-G-C.
Other names: c.678+1G>C (NM_007155.6).
Identifiers: ClinVar variation 1711657 (VCV001711657.30), dbSNP rs1805920281, ClinGen allele CA367768583.

ClinVar aggregate classification (germline): Pathogenic (1 of 4 stars; one submission).

Submission:

CeGaT Center for Human Genetics Tuebingen
Classification: Pathogenic. Last evaluated: 2022-08-01. Review status: criteria provided, single submitter. Criteria: CeGaT Center For Human Genetics Tuebingen Variant Classification Criteria Version 2. Collection method: clinical testing. Allele origin: germline. Affected: yes. Observed: 1 variant allele.
Comment: ZP3: PVS1, PM2